The following is an entry in ClinVar:

NM_001384140.1(PCDH15):c.2578_2588del (p.Glu860fs)

Gene: PCDH15 (protocadherin related 15; minus strand). Cytogenetic location: 10q21.1.
Variant type: Deletion.
Coding change: c.2578_2588del on transcript NM_001384140.1 (MANE Select); coding-DNA positions 2578 to 2588, 11 bases deleted (GAAGTGAAGCA).
Protein change: p.Glu860fs; shifts the reading frame from glutamic acid 860.
Molecular consequence: frameshift variant.
Genome position (GRCh38, 1-based): chr10:54,020,355-54,020,365, TGCTTCACTTC deleted on the plus strand (GAAGTGAAGCA on the coding strand, the reverse complement: PCDH15 is on the minus strand); deleting any 11 consecutive bases within chr10:54,020,355-54,020,367 gives the same sequence; the c. name uses the placement nearest the transcript's 3' end. VCF-style (leftmost placement, unchanged base first): chr10-54020354-GTGCTTCACTTC-G. GRCh37 (hg19) VCF-style: chr10-55780114-GTGCTTCACTTC-G.
Other names: c.2593_2603del, p.Glu865fs (NM_001142763.2, NM_001142771.2); c.2578_2588del, p.Glu860fs (NM_001142764.2, NM_001142766.2, NM_001142770.3 and 5 more transcripts); c.2365_2375del, p.Glu789fs (NM_001142765.2); c.2467_2477del, p.Glu823fs (NM_001142767.2); c.2512_2522del, p.Glu838fs (NM_001142768.2, NM_001142773.2, NM_001354404.2); c.2612_2622delCAGAAGTGAAG, p.Glu872Leufs (NM_001142769.4); c.2599_2609del, p.Glu867fs (NM_001354411.2); short protein forms E789fs, E823fs, E838fs, E860fs, E865fs, E867fs, E872fs.
Identifiers: ClinVar variation 4816364 (VCV004816364.2).

ClinVar aggregate classification (germline): Pathogenic/Likely pathogenic. Review status: criteria provided, multiple submitters, no conflicts (2 of 4 stars). 2 submissions from 2 submitters: Pathogenic (1); Likely pathogenic (1). Last evaluated 2024-07-10.

Conditions:
Usher syndrome type 1F (USH1F). Also called: USHER SYNDROME, TYPE IF. Identifiers: Orphanet 231169, Orphanet 886, MedGen C1865885, MONDO:0011186, OMIM 602083.

Submissions (2):

Natera, Inc.
Classification: Likely pathogenic for Usher syndrome type 1F. Last evaluated: 2024-07-10. Review status: criteria provided, single submitter. Criteria: Natera Variant Classification Schema (03/2026). Collection method: clinical testing. Allele origin: germline.
Comment: The c.2578_2588del variant in PCDH15 is a frameshift variant predicted to shift the reading frame beginning at codon 860 and leads to a stop codon 20 codons downstream. This variant is expected to result in nonsense mediated decay, truncation, or a dysfunctional protein product. This variant is rare in the general population with a frequency below the threshold expected for the associated phenotype(s). Given the available evidence, this variant is classified as Likely Pathogenic.

Myriad Genetics, Inc.
Classification: Pathogenic for Usher syndrome type 1F. Last evaluated: 2023-11-05. Review status: criteria provided, single submitter. Criteria: Myriad Autosomal Dominant, Autosomal Recessive and X-Linked Classification Criteria (2023). Collection method: clinical testing. Allele origin: unknown.
Comment: NM_033056.3(PCDH15):c.2578_2588del11(E860Lfs*20) is expected to be pathogenic in the context of PCDH15-related disorders. This variant is predicted to lead to an abnormal or absent protein product due to the creation of a premature termination codon in PCDH15, a gene where loss-of-function variants are known to be pathogenic. Please note: this variant was assessed in the context of healthy population screening.